The following is an entry in ClinVar:

NM_032119.4(ADGRV1):c.2996G>A (p.Arg999Lys)

Gene: ADGRV1 (adhesion G protein-coupled receptor V1; plus strand). Cytogenetic location: 5q14.3.
Variant type: single nucleotide variant.
Coding change: c.2996G>A on transcript NM_032119.4 (MANE Select); coding-DNA position 2996, G replaced by A.
Protein change: p.Arg999Lys; replaces arginine 999 with lysine.
Molecular consequence: missense variant. On other transcripts: non-coding transcript variant (1).
Genome position (GRCh38, 1-based): chr5:90,646,065, G>A. VCF-style: chr5-90646065-G-A. GRCh37 (hg19) VCF-style: chr5-89941882-G-A.
Other names: short protein forms R999K.
Identifiers: ClinVar variation 3378282 (VCV003378282.1).
Genomic context (GRCh38, chr5:90,646,065, plus strand): 5'-TGAATGGCACTGGAGGAGCTAAAGTGGGAAATAGAACAACTGCAACTCTGAGGATTAGAA[G>A]AAATGATGACCCCATTTATTTTGCAGGTGGTATTGCTGTCTTATTTGAATGAGTTTACAT-3'
Protein context (NP_115495.3, residues 989-1009): NRTTATLRIR[Arg999Lys]NDDPIYFAEP

ClinVar aggregate classification (germline): Uncertain significance (1 of 4 stars; one submission).

Submission:

GeneDx
Classification: Uncertain significance. Last evaluated: 2024-05-16. Review status: criteria provided, single submitter. Criteria: GeneDx Variant Classification Process June 2021. Collection method: clinical testing. Allele origin: germline. Affected: yes.
Comment: Not observed at significant frequency in large population cohorts (gnomAD); In silico analysis indicates that this missense variant does not alter protein structure/function; Has not been previously published as pathogenic or benign to our knowledge